The following is an entry in ClinVar:

ClinVar aggregate classification (germline): Uncertain significance (1 of 4 stars; one submission).

Conditions:
Neurofibromatosis, type 1 (NF1). Also called: Peripheral type neurofibromatosis; VON RECKLINGHAUSEN DISEASE; Neurofibromatosis, type I; NEUROFIBROMATOSIS, TYPE I, SOMATIC. Identifiers: Orphanet 636, MedGen C0027831, MONDO:0018975, OMIM 162200. Disease mechanism: loss of function.

Submission:

Labcorp Genetics (formerly Invitae), Labcorp
Classification: Uncertain significance for Neurofibromatosis, type 1. Last evaluated: 2022-08-02. Review status: criteria provided, single submitter. Criteria: Invitae Variant Classification Sherloc (09022015). Collection method: clinical testing. Allele origin: germline.
Comment: In summary, the available evidence is currently insufficient to determine the role of this variant in disease. Therefore, it has been classified as a Variant of Uncertain Significance. Algorithms developed to predict the effect of missense changes on protein structure and function are either unavailable or do not agree on the potential impact of this missense change (SIFT: "Deleterious"; PolyPhen-2: "Probably Damaging"; Align-GVGD: "Class C0"). ClinVar contains an entry for this variant (Variation ID: 941548). This variant has not been reported in the literature in individuals affected with NF1-related conditions. This variant is not present in population databases (gnomAD no frequency). This sequence change replaces glutamine, which is neutral and polar, with histidine, which is basic and polar, at codon 1499 of the NF1 protein (p.Gln1499His).

NM_001042492.3(NF1):c.4560G>T (p.Gln1520His)

Gene: NF1 (neurofibromin 1; plus strand). Cytogenetic location: 17q11.2.
Variant type: single nucleotide variant.
Coding change: c.4560G>T on transcript NM_001042492.3 (MANE Select); coding-DNA position 4560, G replaced by T.
Protein change: p.Gln1520His; replaces glutamine 1520 with histidine.
Molecular consequence: missense variant.
Genome position (GRCh38, 1-based): chr17:31,260,498, G>T. VCF-style: chr17-31260498-G-T. GRCh37 (hg19) VCF-style: chr17-29587516-G-T.
Other names: c.4497G>T, p.Gln1499His (NM_000267.4); short protein forms Q1520H, Q1499H.
Identifiers: ClinVar variation 941548 (VCV000941548.6), dbSNP rs1555618859, ClinGen allele CA398999884.